The following is an entry in ClinVar:

ClinVar aggregate classification (germline): Uncertain significance (1 of 4 stars; one submission).

Conditions:
Ataxia-telangiectasia syndrome (AT). Also called: AT, COMPLEMENTATION GROUP C; Ataxia-telangiectasia, complementation group D; ATAXIA-TELANGIECTASIA, COMPLEMENTATION GROUP A; ATAXIA-TELANGIECTASIA, FRESNO VARIANT; Ataxia-telangiectasia; Ataxia telangiectasia (A-T). Identifiers: Orphanet 100, MedGen C0004135, MONDO:0008840, OMIM 208900.

Submission:

Labcorp Genetics (formerly Invitae), Labcorp
Classification: Uncertain significance for Ataxia-telangiectasia syndrome. Last evaluated: 2023-07-17. Review status: criteria provided, single submitter. Criteria: Invitae Variant Classification Sherloc (09022015). Collection method: clinical testing. Allele origin: germline.
Comment: This variant has not been reported in the literature in individuals affected with ATM-related conditions. In summary, the available evidence is currently insufficient to determine the role of this variant in disease. Therefore, it has been classified as a Variant of Uncertain Significance. An algorithm developed to predict the effect of missense changes on protein structure and function (PolyPhen-2) suggests that this variant is likely to be disruptive. This variant is not present in population databases (gnomAD no frequency). This sequence change replaces proline, which is neutral and non-polar, with histidine, which is basic and polar, at codon 428 of the ATM protein (p.Pro428His).

NM_000051.4(ATM):c.1283C>A (p.Pro428His)

Gene: ATM (ATM serine/threonine kinase; plus strand). Cytogenetic location: 11q22.3.
Variant type: single nucleotide variant.
Coding change: c.1283C>A on transcript NM_000051.4 (MANE Select); coding-DNA position 1283, C replaced by A.
Protein change: p.Pro428His; replaces proline 428 with histidine.
Molecular consequence: missense variant.
Genome position (GRCh38, 1-based): chr11:108,250,748, C>A. VCF-style: chr11-108250748-C-A. GRCh37 (hg19) VCF-style: chr11-108121475-C-A.
Other names: c.1283C>A, p.Pro428His (NM_001351834.2); short protein forms P428H.
Identifiers: ClinVar variation 2744356 (VCV002744356.3), dbSNP rs2135317219, ClinGen allele CA382533502.